The following is an entry in ClinVar:

ClinVar aggregate classification (germline): Uncertain significance (1 of 4 stars; one submission).

Submission:

Labcorp Genetics (formerly Invitae), Labcorp
Classification: Uncertain significance. Last evaluated: 2023-05-12. Review status: criteria provided, single submitter. Criteria: Invitae Variant Classification Sherloc (09022015). Collection method: clinical testing. Allele origin: germline.
Comment: In summary, the available evidence is currently insufficient to determine the role of this variant in disease. Therefore, it has been classified as a Variant of Uncertain Significance. Advanced modeling of protein sequence and biophysical properties (such as structural, functional, and spatial information, amino acid conservation, physicochemical variation, residue mobility, and thermodynamic stability) performed at Invitae indicates that this missense variant is not expected to disrupt COL11A1 protein function. This variant has not been reported in the literature in individuals affected with COL11A1-related conditions. This variant is not present in population databases (gnomAD no frequency). This sequence change replaces isoleucine, which is neutral and non-polar, with asparagine, which is neutral and polar, at codon 1768 of the COL11A1 protein (p.Ile1768Asn).

NM_001854.4(COL11A1):c.5303T>A (p.Ile1768Asn)

Gene: COL11A1 (collagen type XI alpha 1 chain; minus strand). Cytogenetic location: 1p21.1.
Variant type: single nucleotide variant.
Coding change: c.5303T>A on transcript NM_001854.4 (MANE Select); coding-DNA position 5303, T replaced by A.
Protein change: p.Ile1768Asn; replaces isoleucine 1768 with asparagine.
Molecular consequence: missense variant. On other transcripts: non-coding transcript variant (1).
Genome position (GRCh38, 1-based): chr1:102,878,137, A>T on the plus strand (T>A on the coding strand, the complement: COL11A1 is on the minus strand). VCF-style: chr1-102878137-A-T. GRCh37 (hg19) VCF-style: chr1-103343693-A-T.
Other names: c.4955T>A, p.Ile1652Asn (NM_001168249.1, NM_080630.4); c.5186T>A, p.Ile1729Asn (NM_001190709.2); c.5339T>A, p.Ile1780Asn (NM_080629.3); short protein forms I1768N, I1780N, I1652N, I1729N.
Identifiers: ClinVar variation 2863756 (VCV002863756.3), dbSNP rs1475376265, ClinGen allele CA341210647.